The following is an entry in ClinVar:

NM_005885.4(MARCHF6):c.1292_1293del (p.Tyr431fs)

Gene: MARCHF6 (membrane associated ring-CH-type finger 6; plus strand). Cytogenetic location: 5p15.2.
Variant type: Microsatellite.
Coding change: c.1292_1293del on transcript NM_005885.4 (MANE Select); coding-DNA positions 1292 to 1293, 2 bases deleted (AT; older notation c.1292_1293delAT).
Protein change: p.Tyr431fs; shifts the reading frame from tyrosine 431.
Molecular consequence: frameshift variant.
Genome position (GRCh38, 1-based): chr5:10,403,501-10,403,502, AT deleted; deleting any 2 consecutive bases within chr5:10,403,498-10,403,502 gives the same sequence; the c. name uses the placement nearest the transcript's 3' end. VCF-style (leftmost placement, unchanged base first): chr5-10403497-GTA-G. GRCh37 (hg19) VCF-style: chr5-10403609-GTA-G.
Other names: c.1148_1149del, p.Tyr383fs (NM_001270660.2); c.977_978del, p.Tyr326fs (NM_001270661.2); short protein forms Y326fs, Y383fs, Y431fs.
Identifiers: ClinVar variation 4813364 (VCV004813364.1).

ClinVar aggregate classification (germline): Uncertain significance (1 of 4 stars; one submission).

Conditions:
Spastic diplegia. Identifiers: MedGen C0023882, HP:0001264.

Submission:

Clinical Genetics Laboratory, Skane University Hospital Lund
Classification: Uncertain significance for Spastic diplegia. Last evaluated: 2026-03-18. Review status: criteria provided, single submitter. Criteria: ACMG Guidelines, 2015. Collection method: clinical testing. Allele origin: de novo. Affected: yes.
Comment: De novo occurrence. The phenotype of the patient is not consistent with OMIM #613608. Applied ACMG-criteria: PM2.